The following is an entry in ClinVar:

NM_001111125.3(IQSEC2):c.3502-3C>T

Gene: IQSEC2 (IQ motif and Sec7 domain ArfGEF 2; minus strand). Cytogenetic location: Xp11.22.
Variant type: single nucleotide variant.
Coding change: c.3502-3C>T on transcript NM_001111125.3 (MANE Select); 3 bases into the intron before coding-DNA position 3502, C replaced by T.
Molecular consequence: intron variant.
Genome position (GRCh38, 1-based): chrX:53,235,187, G>A on the plus strand (C>T on the coding strand, the complement: IQSEC2 is on the minus strand). VCF-style: chrX-53235187-G-A. GRCh37 (hg19) VCF-style: chrX-53264369-G-A.
Other names: c.2837-3C>T (NM_015075.2).
Identifiers: ClinVar variation 1001517 (VCV001001517.12), dbSNP rs782720064, ClinGen allele CA10419784.

ClinVar aggregate classification (germline): Conflicting classifications of pathogenicity. Review status: criteria provided, conflicting classifications (1 of 4 stars). 2 submissions from 2 submitters: Uncertain significance (1); Likely benign (1). Last evaluated 2025-11-01.

Conditions:
Intellectual developmental disorder, X-linked 1. Also called: Atkin Flaitz Patil Smith syndrome; Intellectual disability, X-linked 1; MENTAL RETARDATION, X-LINKED 18; MENTAL RETARDATION, X-LINKED 78. Identifiers: Orphanet 777, MedGen C2931498, MONDO:0010656, OMIM 309530.

Allele frequency attached by ClinVar (database versions not stated): ExAC 0.00009; gnomAD exomes 0.00002.
gnomAD v4.1: 30 of 1,164,257 alleles (0.0026%); highest among the groups gnomAD compares: Non-Finnish European, 0.0029%; no homozygotes.

Submissions (2):

CeGaT Center for Human Genetics Tuebingen
Classification: Likely benign. Last evaluated: 2025-11-01. Review status: criteria provided, single submitter. Criteria: CeGaT Center For Human Genetics Tuebingen Variant Classification Criteria Version 2. Collection method: clinical testing. Allele origin: germline. Affected: yes. Observed: 1 variant allele.
Comment: IQSEC2: BP4, BS2

Labcorp Genetics (formerly Invitae), Labcorp
Classification: Uncertain significance for Intellectual developmental disorder, X-linked 1. Last evaluated: 2022-07-23. Review status: criteria provided, single submitter. Criteria: Invitae Variant Classification Sherloc (09022015). Collection method: clinical testing. Allele origin: germline.
Comment: In summary, the available evidence is currently insufficient to determine the role of this variant in disease. Therefore, it has been classified as a Variant of Uncertain Significance. Variants that disrupt the consensus splice site are a relatively common cause of aberrant splicing (PMID: 17576681, 9536098). Algorithms developed to predict the effect of sequence changes on RNA splicing suggest that this variant is not likely to affect RNA splicing. ClinVar contains an entry for this variant (Variation ID: 1001517). This variant has been observed in individual(s) with clinical features of IQSEC2-related conditions (Invitae). This variant is present in population databases (rs782720064, gnomAD 0.005%). This sequence change falls in intron 14 of the IQSEC2 gene. It does not directly change the encoded amino acid sequence of the IQSEC2 protein. It affects a nucleotide within the consensus splice site.

Literature cited by the submitters: PubMed 17576681 (cited by Labcorp Genetics (formerly Invitae), Labcorp); PubMed 9536098 (cited by Labcorp Genetics (formerly Invitae), Labcorp).